The following is an entry in ClinVar:

NM_001382391.1(CSPP1):c.2336G>A (p.Arg779Gln)

Gene: CSPP1 (centrosome and spindle pole associated protein 1; plus strand). Cytogenetic location: 8q13.2.
Variant type: single nucleotide variant.
Coding change: c.2336G>A on transcript NM_001382391.1 (MANE Select); coding-DNA position 2336, G replaced by A.
Protein change: p.Arg779Gln; replaces arginine 779 with glutamine.
Molecular consequence: missense variant.
Genome position (GRCh38, 1-based): chr8:67,158,541, G>A. VCF-style: chr8-67158541-G-A. GRCh37 (hg19) VCF-style: chr8-68070776-G-A.
Other names: c.1286G>A, p.Arg429Gln (NM_001291339.2); c.2255G>A, p.Arg752Gln (NM_001363131.2); c.2141G>A, p.Arg714Gln (NM_001363132.2); c.2060G>A, p.Arg687Gln (NM_001363133.2); c.2402G>A, p.Arg801Gln (NM_001364869.1); c.2222G>A, p.Arg741Gln (NM_001364870.1); c.2321G>A, p.Arg774Gln (NM_024790.7); short protein forms R779Q, R429Q, R741Q, R687Q, R714Q, R752Q, R774Q, R801Q.
Identifiers: ClinVar variation 1461431 (VCV001461431.3), dbSNP rs780070875, ClinGen allele CA4770810.

ClinVar aggregate classification (germline): Uncertain significance (1 of 4 stars; one submission).

Conditions:
Joubert syndrome 21 (JBTS21). Identifiers: MedGen C3810212, MONDO:0014288, OMIM 615636.

Allele frequency attached by ClinVar (database versions not stated): gnomAD exomes 0.00002 and 0.00004; ExAC 0.00003; gnomAD 0.00003; TOPMed 0.00005.
gnomAD v4.1: 55 of 1,611,878 alleles (0.0034%); highest among the groups gnomAD compares: East Asian, 0.0045%; no homozygotes.

Submission:

Labcorp Genetics (formerly Invitae), Labcorp
Classification: Uncertain significance for Joubert syndrome 21. Last evaluated: 2022-08-01. Review status: criteria provided, single submitter. Criteria: Invitae Variant Classification Sherloc (09022015). Collection method: clinical testing. Allele origin: germline.
Comment: This sequence change replaces arginine, which is basic and polar, with glutamine, which is neutral and polar, at codon 774 of the CSPP1 protein (p.Arg774Gln). This variant is present in population databases (rs780070875, gnomAD 0.004%). This variant has not been reported in the literature in individuals affected with CSPP1-related conditions. ClinVar contains an entry for this variant (Variation ID: 1461431). Algorithms developed to predict the effect of missense changes on protein structure and function are either unavailable or do not agree on the potential impact of this missense change (SIFT: "Deleterious"; PolyPhen-2: "Probably Damaging"; Align-GVGD: "Class C0"). In summary, the available evidence is currently insufficient to determine the role of this variant in disease. Therefore, it has been classified as a Variant of Uncertain Significance.